The following is an entry in ClinVar:

NM_032380.5(GFM2):c.1384G>A (p.Glu462Lys)

Gene: GFM2 (GTP dependent ribosome recycling factor mitochondrial 2; minus strand). Cytogenetic location: 5q13.3.
Variant type: single nucleotide variant.
Coding change: c.1384G>A on transcript NM_032380.5 (MANE Select); coding-DNA position 1384, G replaced by A.
Protein change: p.Glu462Lys; replaces glutamic acid 462 with lysine.
Molecular consequence: missense variant. On other transcripts: non-coding transcript variant (1).
Genome position (GRCh38, 1-based): chr5:74,736,922, C>T on the plus strand (G>A on the coding strand, the complement: GFM2 is on the minus strand). VCF-style: chr5-74736922-C-T. GRCh37 (hg19) VCF-style: chr5-74032747-C-T.
Other names: c.1480G>A, p.Glu494Lys (NM_001281302.2); c.1384G>A, p.Glu462Lys (NM_170681.3); c.1243G>A, p.Glu415Lys (NM_170691.3); short protein forms E415K, E462K, E494K.
Identifiers: ClinVar variation 1702647 (VCV001702647.8), dbSNP rs145221708, ClinGen allele CA3306543.

ClinVar aggregate classification (germline): Uncertain significance. Review status: criteria provided, multiple submitters, no conflicts (2 of 4 stars). 3 submissions from 3 submitters: Uncertain significance (3). Last evaluated 2024-11-04.

Conditions:
Inborn genetic diseases. Identifiers: MedGen C0950123, MeSH D030342.

Allele frequency attached by ClinVar (database versions not stated): TOPMed 0.00012; ESP Exome Variant Server 0.00015.
gnomAD v4.1: 75 of 1,613,618 alleles (0.0046%); highest among the groups gnomAD compares: Admixed American, 0.055%; 1 homozygote.

Submissions (3):

Labcorp Genetics (formerly Invitae), Labcorp
Classification: Uncertain significance. Last evaluated: 2024-11-04. Review status: criteria provided, single submitter. Criteria: Invitae Variant Classification Sherloc (09022015). Collection method: clinical testing. Allele origin: germline.
Comment: This sequence change replaces glutamic acid, which is acidic and polar, with lysine, which is basic and polar, at codon 462 of the GFM2 protein (p.Glu462Lys). This variant is present in population databases (rs145221708, gnomAD 0.08%), and has an allele count higher than expected for a pathogenic variant. This variant has not been reported in the literature in individuals affected with GFM2-related conditions. ClinVar contains an entry for this variant (Variation ID: 1702647). An algorithm developed to predict the effect of missense changes on protein structure and function outputs the following: PolyPhen-2: "Benign". The lysine amino acid residue is found in multiple mammalian species, which suggests that this missense change does not adversely affect protein function. In summary, the available evidence is currently insufficient to determine the role of this variant in disease. Therefore, it has been classified as a Variant of Uncertain Significance.

Ambry Genetics
Classification: Uncertain significance for Inborn genetic diseases. Last evaluated: 2024-03-04. Review status: criteria provided, single submitter. Criteria: Ambry Variant Classification Scheme 2023. Collection method: clinical testing. Allele origin: germline.

GeneDx
Classification: Uncertain significance. Last evaluated: 2022-08-18. Review status: criteria provided, single submitter. Criteria: GeneDx Variant Classification Process June 2021. Collection method: clinical testing. Allele origin: germline. Affected: yes.
Comment: In silico analysis supports that this missense variant does not alter protein structure/function; Has not been previously published as pathogenic or benign to our knowledge